The following is an entry in ClinVar:

ClinVar aggregate classification (germline): Uncertain significance. Review status: criteria provided, multiple submitters, no conflicts (2 of 4 stars). 4 submissions from 4 submitters: Uncertain significance (4). Last evaluated 2025-11-17.

Conditions:
Hereditary cancer-predisposing syndrome. Also called: Neoplastic Syndromes, Hereditary; Hereditary neoplastic syndrome; Tumor predisposition; Hereditary Cancer Syndrome. Identifiers: Orphanet 140162, MedGen C0027672, MeSH D009386, MONDO:0015356.
POLD1-related polyposis and colorectal cancer syndrome (CRCS10). Also called: Colorectal cancer 10; COLORECTAL CANCER, SUSCEPTIBILITY TO, ON CHROMOSOME 19q; Colorectal cancer, susceptibility to, 10. Identifiers: Orphanet 220460, MedGen C2675481, MONDO:0012953, OMIM 612591.

Allele frequency attached by ClinVar (database versions not stated): TOPMed below 0.00001; gnomAD 0.00001.
gnomAD v4.1: 4 of 1,597,472 alleles (0.00025%); highest among the groups gnomAD compares: Non-Finnish European, 0.00034%; no homozygotes.

Submissions (4):

Labcorp Genetics (formerly Invitae), Labcorp
Classification: Uncertain significance for POLD1-related polyposis and colorectal cancer syndrome. Last evaluated: 2025-11-17. Review status: criteria provided, single submitter. Criteria: Invitae Variant Classification Sherloc (09022015). Collection method: clinical testing. Allele origin: germline.
Comment: This sequence change replaces serine, which is neutral and polar, with glycine, which is neutral and non-polar, at codon 314 of the POLD1 protein (p.Ser314Gly). This variant is not present in population databases (gnomAD no frequency). This variant has not been reported in the literature in individuals affected with POLD1-related conditions. ClinVar contains an entry for this variant (Variation ID: 469395). Invitae Evidence Modeling of protein sequence and biophysical properties (such as structural, functional, and spatial information, amino acid conservation, physicochemical variation, residue mobility, and thermodynamic stability) indicates that this missense variant is expected to disrupt POLD1 protein function with a positive predictive value of 80%. In summary, the available evidence is currently insufficient to determine the role of this variant in disease. Therefore, it has been classified as a Variant of Uncertain Significance.

Ambry Genetics
Classification: Uncertain significance for Hereditary cancer-predisposing syndrome. Last evaluated: 2024-11-07. Review status: criteria provided, single submitter. Criteria: Ambry Variant Classification Scheme 2023. Collection method: clinical testing. Allele origin: germline.
Comment: The p.S314G variant (also known as c.940A>G), located in coding exon 7 of the POLD1 gene, results from an A to G substitution at nucleotide position 940. The serine at codon 314 is replaced by glycine, an amino acid with similar properties. This amino acid position is well conserved in available vertebrate species. In addition, the in silico prediction for this alteration is inconclusive. Based on the available evidence, the clinical significance of this variant remains unclear.

Baylor Genetics
Classification: Uncertain significance for POLD1-related polyposis and colorectal cancer syndrome. Last evaluated: 2023-10-20. Review status: criteria provided, single submitter. Criteria: ACMG Guidelines, 2015. Collection method: clinical testing. Allele origin: unknown.

GeneDx
Classification: Uncertain significance. Last evaluated: 2019-06-21. Review status: criteria provided, single submitter. Criteria: GeneDx Variant Classification Process June 2021. Collection method: clinical testing. Allele origin: germline. Affected: yes.
Comment: Not observed in large population cohorts (Lek et al., 2016); Has not been previously published as pathogenic or benign to our knowledge

NM_002691.4(POLD1):c.940A>G (p.Ser314Gly)

Gene: POLD1 (DNA polymerase delta 1, catalytic subunit; plus strand). Cytogenetic location: 19q13.33.
Variant type: single nucleotide variant.
Coding change: c.940A>G on transcript NM_002691.4 (MANE Select); coding-DNA position 940, A replaced by G.
Protein change: p.Ser314Gly; replaces serine 314 with glycine.
Molecular consequence: missense variant. On other transcripts: non-coding transcript variant (1).
Genome position (GRCh38, 1-based): chr19:50,402,711, A>G. VCF-style: chr19-50402711-A-G. GRCh37 (hg19) VCF-style: chr19-50905968-A-G.
Other names: c.940A>G, p.Ser314Gly (NM_001256849.1, NM_001308632.1); short protein forms S314G.
Identifiers: ClinVar variation 469395 (VCV000469395.16), dbSNP rs1254476274, ClinGen allele CA406977284.